The following is an entry in ClinVar:

NM_003235.5(TG):c.7919_7920del (p.Ala2639_Tyr2640insTer)

Gene: TG (thyroglobulin; plus strand). Cytogenetic location: 8q24.22.
Variant type: Deletion.
Coding change: c.7919_7920del on transcript NM_003235.5 (MANE Select); coding-DNA positions 7919 to 7920, 2 bases deleted (AC; older notation c.7919_7920delAC).
Protein change: p.Ala2639_Tyr2640insTer.
Molecular consequence: nonsense.
Genome position (GRCh38, 1-based): chr8:133,131,868-133,131,869, AC deleted. VCF-style (leftmost placement, unchanged base first): chr8-133131867-TAC-T. GRCh37 (hg19) VCF-style: chr8-134144111-TAC-T.
Identifiers: ClinVar variation 2694831 (VCV002694831.3), dbSNP rs2537814830, ClinGen allele CA2697550172.

ClinVar aggregate classification (germline): Pathogenic (1 of 4 stars; one submission).

Submission:

Labcorp Genetics (formerly Invitae), Labcorp
Classification: Pathogenic. Last evaluated: 2023-06-06. Review status: criteria provided, single submitter. Criteria: Invitae Variant Classification Sherloc (09022015). Collection method: clinical testing. Allele origin: germline.
Comment: This sequence change creates a premature translational stop signal (p.Tyr2640*) in the TG gene. It is expected to result in an absent or disrupted protein product. Loss-of-function variants in TG are known to be pathogenic (PMID: 19837936, 23164529). For these reasons, this variant has been classified as Pathogenic. Algorithms developed to predict the effect of sequence changes on RNA splicing suggest that this variant may disrupt the consensus splice site. This variant has not been reported in the literature in individuals affected with TG-related conditions. This variant is not present in population databases (gnomAD no frequency).

Literature cited by the submitters: PubMed 19837936; PubMed 23164529.